The following is an entry in ClinVar:

NM_004612.4(TGFBR1):c.806-34_806-13del

Gene: TGFBR1 (transforming growth factor beta receptor 1; plus strand). Cytogenetic location: 9q22.33.
Variant type: Deletion.
Coding change: c.806-34_806-13del on transcript NM_004612.4 (MANE Select); 34 bases into the intron before coding-DNA position 806 through 13 bases into the intron before coding-DNA position 806, 22 bases deleted (GCAGCCCAACCGAAATGTTAAT).
Molecular consequence: intron variant.
Genome position (GRCh38, 1-based): chr9:99,142,502-99,142,523, GCAGCCCAACCGAAATGTTAAT deleted; deleting any 22 consecutive bases within chr9:99,142,501-99,142,523 gives the same sequence; the c. name uses the placement nearest the transcript's 3' end. VCF-style (leftmost placement, unchanged base first): chr9-99142500-CTGCAGCCCAACCGAAATGTTAA-C. GRCh37 (hg19) VCF-style: chr9-101904782-CTGCAGCCCAACCGAAATGTTAA-C.
Other names: c.611-34_611-13del (NM_001407418.1, NM_001407419.1, NM_001407422.1 and 1 more transcripts); c.599-34_599-13del (NM_001407423.1, NM_001407424.1, NM_001407425.1 and 8 more transcripts); c.818-34_818-13del (NM_001306210.2); c.818-2230_818-2209del (NM_001407416.1); c.806-2230_806-2209del (NM_001407417.1); c.575-34_575-13del (NM_001407435.1, NM_001130916.3); c.560-34_560-13del (NM_001407436.1); c.329-34_329-13del (NM_001407438.1); and 1 more.
Identifiers: ClinVar variation 4722862 (VCV004722862.1).

ClinVar aggregate classification (germline): Uncertain significance (1 of 4 stars; one submission).

Conditions:
Familial thoracic aortic aneurysm and aortic dissection (TAAD). Also called: Thoracic aortic aneurysms and dissections. Identifiers: Orphanet 91387, MedGen C4707243, MONDO:0019625.

Submission:

Labcorp Genetics (formerly Invitae), Labcorp
Classification: Uncertain significance for Familial thoracic aortic aneurysm and aortic dissection. Last evaluated: 2025-07-08. Review status: criteria provided, single submitter. Criteria: Invitae Variant Classification Sherloc (09022015). Collection method: clinical testing. Allele origin: germline.
Comment: This sequence change falls in intron 4 of the TGFBR1 gene. It does not directly change the encoded amino acid sequence of the TGFBR1 protein. This variant is not present in population databases (gnomAD no frequency). This variant has not been reported in the literature in individuals affected with TGFBR1-related conditions. Experimental studies and prediction algorithms are not available or were not evaluated, and the effect of this variant on mRNA splicing is currently unknown. In summary, the available evidence is currently insufficient to determine the role of this variant in disease. Therefore, it has been classified as a Variant of Uncertain Significance.